The following is an entry in ClinVar:

ClinVar aggregate classification (germline): Uncertain significance (1 of 4 stars; one submission).

Submission:

GeneDx
Classification: Uncertain significance. Last evaluated: 2023-12-28. Review status: criteria provided, single submitter. Criteria: GeneDx Variant Classification Process June 2021. Collection method: clinical testing. Allele origin: germline. Affected: yes.
Comment: Not observed at significant frequency in large population cohorts (gnomAD); Has not been previously published as pathogenic or benign to our knowledge; Canonical splice site variant in a gene for which loss-of-function is not a known mechanism of disease

NM_014915.3(ANKRD26):c.4954-1G>T

Gene: ANKRD26 (ankyrin repeat domain containing 26; minus strand). Cytogenetic location: 10p12.1.
Variant type: single nucleotide variant.
Coding change: c.4954-1G>T on transcript NM_014915.3 (MANE Select); the canonical splice acceptor site of the intron before coding-DNA position 4954, G replaced by T.
Molecular consequence: splice acceptor variant.
Genome position (GRCh38, 1-based): chr10:27,006,963, C>A on the plus strand (G>T on the coding strand, the complement: ANKRD26 is on the minus strand). VCF-style: chr10-27006963-C-A. GRCh37 (hg19) VCF-style: chr10-27295892-C-A.
Other names: c.4951-1G>T (NM_001256053.2).
Identifiers: ClinVar variation 3367293 (VCV003367293.1).